The following is an entry in ClinVar:

NM_017934.7(PHIP):c.1336A>G (p.Met446Val)

Gene: PHIP (PHIP subunit of CUL4-Ring ligase complex; minus strand). Cytogenetic location: 6q14.1.
Variant type: single nucleotide variant.
Coding change: c.1336A>G on transcript NM_017934.7 (MANE Select); coding-DNA position 1336, A replaced by G.
Protein change: p.Met446Val; replaces methionine 446 with valine.
Molecular consequence: missense variant.
Genome position (GRCh38, 1-based): chr6:79,015,683, T>C on the plus strand (A>G on the coding strand, the complement: PHIP is on the minus strand). VCF-style: chr6-79015683-T-C. GRCh37 (hg19) VCF-style: chr6-79725400-T-C.
Other names: short protein forms M446V.
Identifiers: ClinVar variation 3342198 (VCV003342198.16).

ClinVar aggregate classification (germline): Uncertain significance (1 of 4 stars; one submission).

Submission:

CeGaT Center for Human Genetics Tuebingen
Classification: Uncertain significance. Last evaluated: 2024-08-01. Review status: criteria provided, single submitter. Criteria: CeGaT Center For Human Genetics Tuebingen Variant Classification Criteria Version 2. Collection method: clinical testing. Allele origin: germline. Affected: yes. Observed: 1 variant allele.
Comment: PHIP: PM2, PP2